The following is an entry in ClinVar:

ClinVar aggregate classification (germline): Uncertain significance (1 of 4 stars; one submission).

Conditions:
Klippel-Feil syndrome 1, autosomal dominant (KFS1). Also called: CERVICAL VERTEBRAL FUSION, AUTOSOMAL DOMINANT. Identifiers: Orphanet 2345, MedGen C1861689, MONDO:0007306, OMIM 118100.
Leber congenital amaurosis 17 (LCA17). Identifiers: Orphanet 65, MedGen C3715164, MONDO:0014145, OMIM 615360.
Isolated microphthalmia 4. Identifiers: Orphanet 2542, MedGen C2751307, MONDO:0013130, OMIM 613094.
Microphthalmia, isolated, with coloboma 6 (MCOPCB6). Also called: Microphthalmia with coloboma 6, digenic; Microphthalmia with coloboma 6; MICROPHTHALMIA/COLOBOMA 6. Identifiers: Orphanet 98938, MedGen C3150968, MONDO:0013376, OMIM 613703.

gnomAD v4.1: 2 of 1,614,086 alleles (0.00012%); highest among the groups gnomAD compares: Non-Finnish European, 0.00017%; no homozygotes.

Submission:

Labcorp Genetics (formerly Invitae), Labcorp
Classification: Uncertain significance for Isolated microphthalmia 4; Leber congenital amaurosis 17; Klippel-Feil syndrome 1, autosomal dominant; Microphthalmia, isolated, with coloboma 6. Last evaluated: 2022-07-30. Review status: criteria provided, single submitter. Criteria: Invitae Variant Classification Sherloc (09022015). Collection method: clinical testing. Allele origin: germline.
Comment: This sequence change replaces proline, which is neutral and non-polar, with serine, which is neutral and polar, at codon 90 of the GDF6 protein (p.Pro90Ser). This variant is not present in population databases (gnomAD no frequency). This variant has not been reported in the literature in individuals affected with GDF6-related conditions. Algorithms developed to predict the effect of missense changes on protein structure and function (SIFT, PolyPhen-2, Align-GVGD) all suggest that this variant is likely to be tolerated. In summary, the available evidence is currently insufficient to determine the role of this variant in disease. Therefore, it has been classified as a Variant of Uncertain Significance.

NM_001001557.4(GDF6):c.268C>T (p.Pro90Ser)

Gene: GDF6 (growth differentiation factor 6; minus strand). Cytogenetic location: 8q22.1.
Variant type: single nucleotide variant.
Coding change: c.268C>T on transcript NM_001001557.4 (MANE Select); coding-DNA position 268, C replaced by T.
Protein change: p.Pro90Ser; replaces proline 90 with serine.
Molecular consequence: missense variant.
Genome position (GRCh38, 1-based): chr8:96,160,425, G>A on the plus strand (C>T on the coding strand, the complement: GDF6 is on the minus strand). VCF-style: chr8-96160425-G-A. GRCh37 (hg19) VCF-style: chr8-97172653-G-A.
Other names: short protein forms P90S.
Identifiers: ClinVar variation 1714471 (VCV001714471.5), dbSNP rs1395008591, ClinGen allele CA371753606.